The following is an entry in ClinVar:

ClinVar aggregate classification (germline): Uncertain significance (1 of 4 stars; one submission).

Conditions:
SKI-related disorder. Also called: SKI-related condition.

Submission:

PreventionGenetics, part of Exact Sciences
Classification: Uncertain significance for SKI-related condition. Last evaluated: 2025-03-18. Review status: criteria provided, single submitter. Criteria: ACMG Guidelines, 2015. Collection method: clinical testing. Allele origin: germline.
Comment: The SKI c.532A>T variant is predicted to result in the amino acid substitution p.Thr178Ser. To our knowledge, this variant has not been reported in the literature or in a large population database (gnomAD), indicating this variant is rare. This variant is not located in the SMAD4 binding domain. A nearby missense de novo variant in a newly identified hotspot was associated with Marfan syndrome and related disorders (Arnaud et al. 2020. PubMed ID: 31980905). At this time, the clinical significance of this variant is uncertain due to the absence of conclusive functional and genetic evidence.

NM_003036.4(SKI):c.532A>T (p.Thr178Ser)

Gene: SKI (SKI proto-oncogene; plus strand). Cytogenetic location: 1p36.33.
Variant type: single nucleotide variant.
Coding change: c.532A>T on transcript NM_003036.4 (MANE Select); coding-DNA position 532, A replaced by T.
Protein change: p.Thr178Ser; replaces threonine 178 with serine.
Molecular consequence: missense variant.
Genome position (GRCh38, 1-based): chr1:2,229,298, A>T. VCF-style: chr1-2229298-A-T. GRCh37 (hg19) VCF-style: chr1-2160737-A-T.
Other names: short protein forms T178S.
Identifiers: ClinVar variation 4989876 (VCV004989876.1).
Genomic context (GRCh38, chr1:2,229,298, plus strand): 5'-CTGGAGATCCTCAAAGTCATGGGCATCCTGCCCTTCTCGGCGCCCTCGTGCGGGCTCATC[A>T]CCAAGACGGACGCCGAGCGCCTGTGCAACGCGCTGCTCTACGGCGGCGCCTACCCGCCGC-3'
Protein context (NP_003027.1, residues 168-188): PFSAPSCGLI[Thr178Ser]KTDAERLCNA